The following is an entry in ClinVar:

ClinVar aggregate classification (germline): Uncertain significance (1 of 4 stars; one submission).

Conditions:
Familial hypocalciuric hypercalcemia (FHH). Also called: Familial benign hypercalcemia. Identifiers: Orphanet 405, MedGen C1809471, MONDO:0018458.
Autosomal dominant hypocalcemia 1 (HYPOC1). Also called: HYPOCALCEMIA, FAMILIAL. Identifiers: MedGen C3715128, MONDO:0011013, OMIM 601198.

Submission:

Labcorp Genetics (formerly Invitae), Labcorp
Classification: Uncertain significance for Familial hypocalciuric hypercalcemia; Autosomal dominant hypocalcemia 1. Last evaluated: 2025-10-28. Review status: criteria provided, single submitter. Criteria: Invitae Variant Classification Sherloc (09022015). Collection method: clinical testing. Allele origin: germline.
Comment: This sequence change replaces leucine, which is neutral and non-polar, with isoleucine, which is neutral and non-polar, at codon 743 of the CASR protein (p.Leu743Ile). This variant is not present in population databases (gnomAD no frequency). This variant has not been reported in the literature in individuals affected with CASR-related conditions. An algorithm developed to predict the effect of missense changes on protein structure and function (PolyPhen-2) suggests that this variant is likely to be disruptive. In summary, the available evidence is currently insufficient to determine the role of this variant in disease. Therefore, it has been classified as a Variant of Uncertain Significance.

NM_000388.4(CASR):c.2227C>A (p.Leu743Ile)

Gene: CASR (calcium sensing receptor; plus strand). Cytogenetic location: 3q21.1.
Variant type: single nucleotide variant.
Coding change: c.2227C>A on transcript NM_000388.4 (MANE Select); coding-DNA position 2227, C replaced by A.
Protein change: p.Leu743Ile; replaces leucine 743 with isoleucine.
Molecular consequence: missense variant.
Genome position (GRCh38, 1-based): chr3:122,284,181, C>A. VCF-style: chr3-122284181-C-A. GRCh37 (hg19) VCF-style: chr3-122003028-C-A.
Other names: c.2257C>A, p.Leu753Ile (NM_001178065.2); short protein forms L743I, L753I.
Identifiers: ClinVar variation 4786556 (VCV004786556.1).